The following is an entry in ClinVar:

NM_000503.6(EYA1):c.1681G>C (p.Glu561Gln)

Gene: EYA1 (EYA transcriptional coactivator and phosphatase 1; minus strand). Cytogenetic location: 8q13.3.
Variant type: single nucleotide variant.
Coding change: c.1681G>C on transcript NM_000503.6 (MANE Select); coding-DNA position 1681, G replaced by C.
Protein change: p.Glu561Gln; replaces glutamic acid 561 with glutamine.
Molecular consequence: missense variant.
Genome position (GRCh38, 1-based): chr8:71,211,173, C>G on the plus strand (G>C on the coding strand, the complement: EYA1 is on the minus strand). VCF-style: chr8-71211173-C-G. GRCh37 (hg19) VCF-style: chr8-72123408-C-G.
Other names: c.1663G>C, p.Glu555Gln (NM_001288574.2, NM_172059.5); c.1315G>C, p.Glu439Gln (NM_001288575.2); c.1768G>C, p.Glu590Gln (NM_001370333.1); c.1681G>C, p.Glu561Gln (NM_001370334.1, NM_001370335.1, NM_172058.4); c.1660G>C, p.Glu554Gln (NM_001370336.1); c.1582G>C, p.Glu528Gln (NM_001411797.1, NM_172060.4); c.1681G>C (NM_172058.3); short protein forms E439Q, E528Q, E554Q, E555Q, E561Q, E590Q.
Identifiers: ClinVar variation 3361077 (VCV003361077.2).
Genomic context (GRCh38, chr8:71,211,173, plus strand): 5'-GAAAAAACAAATGAGACAAGATGCACCATCTAGGAATGCTCACCTTTTTTGCTCCTTGTT[C>G]TTCTTCTACACCATCTCCTATAACAACATACACCACTTTTCTTCCAAACCTTTGAATTAT-3'
Protein context (NP_000494.2, residues 551-571): YVVIGDGVEE[Glu561Gln]QGAKKHAMPF

ClinVar aggregate classification (germline): Uncertain significance. Review status: criteria provided, multiple submitters, no conflicts (2 of 4 stars). 2 submissions from 2 submitters: Uncertain significance (2). Last evaluated 2025-07-31.

Conditions:
EYA1-related disorder. Also called: EYA1-related condition.

gnomAD v4.1: 8 of 1,611,850 alleles (0.0005%); highest among the groups gnomAD compares: Non-Finnish European, 0.00068%; no homozygotes.

Submissions (2):

PreventionGenetics, part of Exact Sciences
Classification: Uncertain significance for EYA1-related condition. Last evaluated: 2025-07-31. Review status: criteria provided, single submitter. Criteria: ACMG Guidelines, 2015. Collection method: clinical testing. Allele origin: germline.
Comment: The EYA1 c.1681G>C variant is predicted to result in the amino acid substitution p.Glu561Gln. To our knowledge, this variant has not been reported in the literature or in a large population database (gnomAD), indicating this variant is rare. At this time, the clinical significance of this variant is uncertain due to the absence of conclusive functional and genetic evidence.

GeneDx
Classification: Uncertain significance. Last evaluated: 2023-07-20. Review status: criteria provided, single submitter. Criteria: GeneDx Variant Classification Process June 2021. Collection method: clinical testing. Allele origin: germline. Affected: yes.
Comment: Not observed at significant frequency in large population cohorts (gnomAD); In silico analysis supports that this missense variant has a deleterious effect on protein structure/function; Has not been previously published as pathogenic or benign to our knowledge